The following is an entry in ClinVar:

NM_000702.4(ATP1A2):c.2026G>A (p.Asp676Asn)

Gene: ATP1A2 (ATPase Na+/K+ transporting subunit alpha 2; plus strand). Cytogenetic location: 1q23.2.
Variant type: single nucleotide variant.
Coding change: c.2026G>A on transcript NM_000702.4 (MANE Select); coding-DNA position 2026, G replaced by A.
Protein change: p.Asp676Asn; replaces aspartic acid 676 with asparagine.
Molecular consequence: missense variant.
Genome position (GRCh38, 1-based): chr1:160,135,206, G>A. VCF-style: chr1-160135206-G-A. GRCh37 (hg19) VCF-style: chr1-160104996-G-A.
Other names: c.2026G>A (NM_000702.3); short protein forms D676N.
Identifiers: ClinVar variation 1431086 (VCV001431086.7), dbSNP rs868105479, ClinGen allele CA31500964.

ClinVar aggregate classification (germline): Uncertain significance. Review status: criteria provided, multiple submitters, no conflicts (2 of 4 stars). 2 submissions from 2 submitters: Uncertain significance (2). Last evaluated 2024-05-15.

Conditions:
Familial hemiplegic migraine. Identifiers: MedGen C0338484, MONDO:0000700.

Allele frequency attached by ClinVar (database versions not stated): gnomAD exomes below 0.00001.

Submissions (2):

Labcorp Genetics (formerly Invitae), Labcorp
Classification: Uncertain significance for Familial hemiplegic migraine. Last evaluated: 2024-05-15. Review status: criteria provided, single submitter. Criteria: Invitae Variant Classification Sherloc (09022015). Collection method: clinical testing. Allele origin: germline.
Comment: This sequence change replaces aspartic acid, which is acidic and polar, with asparagine, which is neutral and polar, at codon 676 of the ATP1A2 protein (p.Asp676Asn). This variant is present in population databases (no rsID available, gnomAD 0.003%). This variant has not been reported in the literature in individuals affected with ATP1A2-related conditions. ClinVar contains an entry for this variant (Variation ID: 1431086). Advanced modeling of protein sequence and biophysical properties (such as structural, functional, and spatial information, amino acid conservation, physicochemical variation, residue mobility, and thermodynamic stability) performed at Invitae indicates that this missense variant is not expected to disrupt ATP1A2 protein function with a negative predictive value of 80%. In summary, the available evidence is currently insufficient to determine the role of this variant in disease. Therefore, it has been classified as a Variant of Uncertain Significance.

GeneDx
Classification: Uncertain significance. Last evaluated: 2024-04-03. Review status: criteria provided, single submitter. Criteria: GeneDx Variant Classification Process June 2021. Collection method: clinical testing. Allele origin: germline. Affected: yes.
Comment: Not observed at significant frequency in large population cohorts (gnomAD); In silico analysis supports that this missense variant has a deleterious effect on protein structure/function; Has not been previously published as pathogenic or benign to our knowledge; This variant is associated with the following publications: (PMID: 18184292)